The following is an entry in ClinVar:

ClinVar aggregate classification (germline): Uncertain significance (1 of 4 stars; one submission).

Submission:

GeneDx
Classification: Uncertain significance. Last evaluated: 2024-12-15. Review status: criteria provided, single submitter. Criteria: GeneDx Variant Classification Process June 2021. Collection method: clinical testing. Allele origin: germline. Affected: yes.
Comment: In-frame duplication of 2 amino acid(s) in a non-repeat region; Not observed at significant frequency in large population cohorts (gnomAD); Has not been previously published as pathogenic or benign to our knowledge

NM_005027.4(PIK3R2):c.1135_1140dup (p.Val380_Phe381insLysVal)

Gene: PIK3R2 (phosphoinositide-3-kinase regulatory subunit 2; plus strand). Cytogenetic location: 19p13.11.
Variant type: Duplication.
Coding change: c.1135_1140dup on transcript NM_005027.4 (MANE Select); coding-DNA positions 1135 to 1140, 6 bases duplicated (AAGGTC; older notation c.1135_1140dupAAGGTC).
Protein change: p.Val380_Phe381insLysVal.
Molecular consequence: inframe insertion. On other transcripts: non-coding transcript variant (2).
Genome position (GRCh38, 1-based): chr19:18,162,992-18,162,997, AAGGTC duplicated; duplicating any 6 consecutive bases within chr19:18,162,990-18,162,997 gives the same sequence; the c. name uses the placement nearest the transcript's 3' end. VCF-style (leftmost placement, unchanged base first): chr19-18162989-A-ATCAAGG. GRCh37 (hg19) VCF-style: chr19-18273799-A-ATCAAGG.
Identifiers: ClinVar variation 3902879 (VCV003902879.1).